The following is an entry in ClinVar:

ClinVar aggregate classification (germline): Uncertain significance (1 of 4 stars; one submission).

Submission:

Labcorp Genetics (formerly Invitae), Labcorp
Classification: Uncertain significance. Last evaluated: 2024-02-02. Review status: criteria provided, single submitter. Criteria: Invitae Variant Classification Sherloc (09022015). Collection method: clinical testing. Allele origin: germline.
Comment: This sequence change affects codon 1009 of the LTBP4 mRNA. It is a 'silent' change, meaning that it does not change the encoded amino acid sequence of the LTBP4 protein. This variant is not present in population databases (gnomAD no frequency). This variant has not been reported in the literature in individuals affected with LTBP4-related conditions. Algorithms developed to predict the effect of sequence changes on RNA splicing suggest that this variant may disrupt the consensus splice site. In summary, the available evidence is currently insufficient to determine the role of this variant in disease. Therefore, it has been classified as a Variant of Uncertain Significance.

NM_001042545.2(LTBP4):c.2937A>G (p.Gly979=)

Gene: LTBP4 (latent transforming growth factor beta binding protein 4; plus strand). Cytogenetic location: 19q13.2.
Variant type: single nucleotide variant.
Coding change: c.2937A>G on transcript NM_001042545.2 (MANE Select); coding-DNA position 2937, A replaced by G.
Protein change: p.Gly979=; no amino-acid change (glycine 979 retained).
Molecular consequence: synonymous variant.
Genome position (GRCh38, 1-based): chr19:40,617,013, A>G. VCF-style: chr19-40617013-A-G. GRCh37 (hg19) VCF-style: chr19-41122919-A-G.
Other names: c.3138A>G, p.Gly1046= (NM_001042544.1); c.3027A>G, p.Gly1009= (NM_003573.2).
Identifiers: ClinVar variation 3638209 (VCV003638209.2).